The following is an entry in ClinVar:

ClinVar aggregate classification (germline): Conflicting classifications of pathogenicity. Review status: criteria provided, conflicting classifications (1 of 4 stars). 5 submissions from 5 submitters: Uncertain significance (4); Likely benign (1). Last evaluated 2026-02-23.

Conditions:
RP2-related disorder. Also called: RP2-related condition.
Retinitis pigmentosa 2 (RP2). Also called: Retinitis pigmentosa 2, X linked. Identifiers: Orphanet 791, MedGen C2681923, MONDO:0010723, OMIM 312600.
Inborn genetic diseases. Identifiers: MedGen C0950123, MeSH D030342.

Allele frequency attached by ClinVar (database versions not stated): gnomAD exomes 0.00003 and 0.00008; gnomAD 0.00006 and 0.00008; TOPMed 0.00008; ESP Exome Variant Server 0.00009.

Submissions (5):

PreventionGenetics, part of Exact Sciences
Classification: Uncertain significance for RP2-related condition. Last evaluated: 2026-02-23. Review status: criteria provided, single submitter. Criteria: ACMG Guidelines, 2015. Collection method: clinical testing. Allele origin: germline.
Comment: The RP2 c.613G>A variant is predicted to result in the amino acid substitution p.Glu205Lys. To our knowledge, this variant has not been reported in the literature. This variant is reported in 0.0076% of alleles in individuals of African descent in gnomAD. At this time, the clinical significance of this variant is uncertain due to the absence of conclusive functional and genetic evidence.

Blueprint Genetics
Classification: Likely benign. Last evaluated: 2024-07-31. Review status: criteria provided, single submitter. Criteria: ACMG Guidelines, 2015. Collection method: clinical testing. Allele origin: germline.

Labcorp Genetics (formerly Invitae), Labcorp
Classification: Uncertain significance. Last evaluated: 2024-06-25. Review status: criteria provided, single submitter. Criteria: Invitae Variant Classification Sherloc (09022015). Collection method: clinical testing. Allele origin: germline.
Comment: This sequence change replaces glutamic acid, which is acidic and polar, with lysine, which is basic and polar, at codon 205 of the RP2 protein (p.Glu205Lys). This variant is present in population databases (rs138731990, gnomAD 0.008%). This variant has not been reported in the literature in individuals affected with RP2-related conditions. ClinVar contains an entry for this variant (Variation ID: 811614). Advanced modeling of protein sequence and biophysical properties (such as structural, functional, and spatial information, amino acid conservation, physicochemical variation, residue mobility, and thermodynamic stability) has been performed at Invitae for this missense variant, however the output from this modeling did not meet the statistical confidence thresholds required to predict the impact of this variant on RP2 protein function. In summary, the available evidence is currently insufficient to determine the role of this variant in disease. Therefore, it has been classified as a Variant of Uncertain Significance.

Ambry Genetics
Classification: Uncertain significance for Inborn genetic diseases. Last evaluated: 2022-07-20. Review status: criteria provided, single submitter. Criteria: Ambry Variant Classification Scheme 2023. Collection method: clinical testing. Allele origin: germline.

ARUP Laboratories, Molecular Genetics and Genomics, ARUP Laboratories
Classification: Uncertain significance for Retinitis pigmentosa 2. Last evaluated: 2019-06-03. Review status: criteria provided, single submitter. Criteria: ARUP Molecular Germline Variant Investigation Process. Collection method: clinical testing. Allele origin: germline.

NM_006915.3(RP2):c.613G>A (p.Glu205Lys)

Gene: RP2 (RP2 activator of ARL3 GTPase; plus strand). Cytogenetic location: Xp11.3.
Variant type: single nucleotide variant.
Coding change: c.613G>A on transcript NM_006915.3 (MANE Select); coding-DNA position 613, G replaced by A.
Protein change: p.Glu205Lys; replaces glutamic acid 205 with lysine.
Molecular consequence: missense variant.
Genome position (GRCh38, 1-based): chrX:46,853,986, G>A. VCF-style: chrX-46853986-G-A. GRCh37 (hg19) VCF-style: chrX-46713421-G-A.
Other names: short protein forms E205K.
Identifiers: ClinVar variation 811614 (VCV000811614.18), dbSNP rs138731990, ClinGen allele CA329691501.